The following is an entry in ClinVar:

NM_173354.5(SIK1):c.790G>A (p.Ala264Thr)

Gene: SIK1 (salt inducible kinase 1; minus strand). Cytogenetic location: 21q22.3.
Variant type: single nucleotide variant.
Coding change: c.790G>A on transcript NM_173354.5 (MANE Select); coding-DNA position 790, G replaced by A.
Protein change: p.Ala264Thr; replaces alanine 264 with threonine.
Molecular consequence: missense variant.
Genome position (GRCh38, 1-based): chr21:43,420,416, C>T on the plus strand (G>A on the coding strand, the complement: SIK1 is on the minus strand). VCF-style: chr21-43420416-C-T. GRCh37 (hg19) VCF-style: chr21-44840296-C-T.
Other names: short protein forms A264T.
Identifiers: ClinVar variation 476107 (VCV000476107.43), dbSNP rs112011493, ClinGen allele CA321326945.

ClinVar aggregate classification (germline): Benign/Likely benign. Review status: criteria provided, multiple submitters, no conflicts (2 of 4 stars). 5 submissions from 5 submitters: Benign (1); Likely benign (4). Last evaluated 2026-09-01.

Conditions:
Inborn genetic diseases. Identifiers: MedGen C0950123, MeSH D030342.
Developmental and epileptic encephalopathy, 30 (DEE30). Also called: Epileptic encephalopathy, early infantile, 30. Identifiers: MedGen C4225360, MONDO:0014595, OMIM 616341.

Allele frequency attached by ClinVar (database versions not stated): gnomAD exomes 0.00106; ExAC 0.00110; 1000 Genomes Project 0.00120; ESP Exome Variant Server 0.00154; gnomAD 0.00172.

Submissions (5):

CeGaT Center for Human Genetics Tuebingen
Classification: Likely benign. Last evaluated: 2026-09-01. Review status: criteria provided, single submitter. Criteria: CeGaT Center For Human Genetics Tuebingen Variant Classification Criteria Version 2. Collection method: clinical testing. Allele origin: germline. Affected: yes. Observed: 16 variant alleles.
Comment: SIK1: BP4

Labcorp Genetics (formerly Invitae), Labcorp
Classification: Likely benign for Developmental and epileptic encephalopathy, 30. Last evaluated: 2026-02-03. Review status: criteria provided, single submitter. Criteria: Invitae Variant Classification Sherloc (09022015). Collection method: clinical testing. Allele origin: germline.

Blueprint Genetics
Classification: Likely benign. Last evaluated: 2024-10-29. Review status: criteria provided, single submitter. Criteria: ACMG Guidelines, 2015. Collection method: clinical testing. Allele origin: germline.

Ambry Genetics
Classification: Benign for Inborn genetic diseases. Last evaluated: 2018-11-15. Review status: criteria provided, single submitter. Criteria: Ambry Variant Classification Scheme 2023. Collection method: clinical testing. Allele origin: germline.

Breakthrough Genomics
Classification: Likely benign. Review status: criteria provided, single submitter. Criteria: ACMG Guidelines, 2015. Collection method: not provided. Allele origin: germline. Inheritance: Autosomal dominant inheritance. Affected: yes.